The following is an entry in ClinVar:

ClinVar aggregate classification (germline): Uncertain significance (1 of 4 stars; one submission).

Conditions:
Autosomal recessive limb-girdle muscular dystrophy type 2J (LGMDR10). Also called: Limb-girdle muscular dystrophy, type 2J; MUSCULAR DYSTROPHY, LIMB-GIRDLE, AUTOSOMAL RECESSIVE 10. Identifiers: Orphanet 140922, MedGen C1837342, MONDO:0012127, OMIM 608807.
Dilated cardiomyopathy 1G (CMD1G). Identifiers: Orphanet 154, MedGen C1858763, MONDO:0011400, OMIM 604145.

Submission:

Labcorp Genetics (formerly Invitae), Labcorp
Classification: Uncertain significance for Dilated cardiomyopathy 1G; Autosomal recessive limb-girdle muscular dystrophy type 2J. Last evaluated: 2025-10-14. Review status: criteria provided, single submitter. Criteria: Invitae Variant Classification Sherloc (09022015). Collection method: clinical testing. Allele origin: germline.
Comment: This sequence change replaces proline, which is neutral and non-polar, with alanine, which is neutral and non-polar, at codon 34701 of the TTN protein (p.Pro34701Ala). This variant is not present in population databases (gnomAD no frequency). This variant has not been reported in the literature in individuals affected with TTN-related conditions. Experimental studies and prediction algorithms are not available or were not evaluated, and the functional significance of this variant is currently unknown. This variant is located in the M band of TTN (PMID: 25589632). Non-truncating variants in this region may be relevant for neuromuscular disorders, but have not been definitively shown to cause cardiomyopathy (PMID: 23975875). In summary, the available evidence is currently insufficient to determine the role of this variant in disease. Therefore, it has been classified as a Variant of Uncertain Significance.

Literature cited by the submitters: PubMed 25589632; PubMed 23975875.

NM_001267550.2(TTN):c.104101C>G (p.Pro34701Ala)

Genes: TTN-AS1 (TTN antisense RNA 1; plus strand), TTN (titin; minus strand). Cytogenetic location: 2q31.2.
Variant type: single nucleotide variant.
Coding change: c.104101C>G on transcript NM_001267550.2 (MANE Select); coding-DNA position 104101, C replaced by G.
Protein change: p.Pro34701Ala; replaces proline 34701 with alanine.
Molecular consequence: missense variant.
Genome position (GRCh38, 1-based): chr2:178,532,514, G>C on the plus strand (C>G on the coding strand, the complement: TTN is on the minus strand). VCF-style: chr2-178532514-G-C. GRCh37 (hg19) VCF-style: chr2-179397241-G-C.
Other names: c.99178C>G, p.Pro33060Ala (NM_001256850.1); c.76906C>G, p.Pro25636Ala (NM_003319.4); c.96397C>G, p.Pro32133Ala (NM_133378.4); c.77281C>G, p.Pro25761Ala (NM_133432.3); c.77482C>G, p.Pro25828Ala (NM_133437.4); short protein forms P33060A, P34701A, P25761A, P32133A, P25636A, P25828A.
Identifiers: ClinVar variation 4791609 (VCV004791609.1).